The following is an entry in ClinVar:

ClinVar aggregate classification (germline): Pathogenic. Review status: criteria provided, multiple submitters, no conflicts (2 of 4 stars). 2 submissions from 2 submitters: Pathogenic (2). Last evaluated 2022-05-20.

Submissions (2):

GeneDx
Classification: Pathogenic. Last evaluated: 2022-05-20. Review status: criteria provided, single submitter. Criteria: GeneDx Variant Classification Process June 2021. Collection method: clinical testing. Allele origin: germline. Affected: yes.
Comment: Canonical splice site variant predicted to result in a null allele in a gene for which loss of function is a known mechanism of disease; Not observed at significant frequency in large population cohorts (gnomAD); This variant is associated with the following publications: (PMID: 25525159, 18685874, 23365099, 9817918)

Labcorp Genetics (formerly Invitae), Labcorp
Classification: Pathogenic. Last evaluated: 2021-02-17. Review status: criteria provided, single submitter. Criteria: Invitae Variant Classification Sherloc (09022015). Collection method: clinical testing. Allele origin: germline.
Comment: This sequence change affects a donor splice site in intron 3 of the DCX gene. It is expected to disrupt RNA splicing. Variants that disrupt the donor or acceptor splice site typically lead to a loss of protein function (PMID: 16199547), and loss-of-function variants in DCX are known to be pathogenic (PMID: 11175293, 23365099). This variant is not present in population databases (ExAC no frequency). This variant has been observed in individual(s) with lissencephaly (PMID: 9817918). In at least one individual the variant was observed to be de novo. For these reasons, this variant has been classified as Pathogenic.

Literature cited by the submitters: PubMed 16199547 (cited by Labcorp Genetics (formerly Invitae), Labcorp); PubMed 11175293 (cited by Labcorp Genetics (formerly Invitae), Labcorp); PubMed 23365099 (cited by Labcorp Genetics (formerly Invitae), Labcorp); PubMed 9817918 (cited by Labcorp Genetics (formerly Invitae), Labcorp).

NM_001195553.2(DCX):c.705+1G>A

Gene: DCX (doublecortin; minus strand). Cytogenetic location: Xq23.
Variant type: single nucleotide variant.
Coding change: c.705+1G>A on transcript NM_001195553.2 (MANE Select); the canonical splice donor site of the intron after coding-DNA position 705, G replaced by A.
Molecular consequence: splice donor variant.
Genome position (GRCh38, 1-based): chrX:111,400,989, C>T on the plus strand (G>A on the coding strand, the complement: DCX is on the minus strand). VCF-style: chrX-111400989-C-T. GRCh37 (hg19) VCF-style: chrX-110644217-C-T.
Other names: c.705+1G>A (NM_001369373.1, NM_178153.3, NM_001369372.1 and 6 more transcripts); c.948+1G>A (NM_000555.3).
Identifiers: ClinVar variation 1413015 (VCV001413015.9), dbSNP rs2147262624, ClinGen allele CA414245791.